The following is an entry in ClinVar:

ClinVar aggregate classification (germline): Conflicting classifications of pathogenicity. Review status: criteria provided, conflicting classifications (1 of 4 stars). 3 submissions from 3 submitters: Uncertain significance (1); Likely benign (2). Last evaluated 2025-10-11.

Conditions:
Emery-Dreifuss muscular dystrophy 4, autosomal dominant (EDMD4). Also called: EMERY-DREIFUSS MUSCULAR DYSTROPHY 4 WITH VARIABLE FEATURES. Identifiers: Orphanet 261, MedGen C2751807, MONDO:0013071, OMIM 612998.
Autosomal recessive ataxia, Beauce type. Also called: SYNE1-Related Autosomal Recessive Cerebellar Ataxia; SYNE1 Deficiency; Spinocerebellar ataxia, autosomal recessive 8; ATAXIA, RECESSIVE, OF BEAUCE. Identifiers: Orphanet 88644, MedGen C1853116, MONDO:0012549, OMIM 610743.

Allele frequency attached by ClinVar (database versions not stated): gnomAD 0.00001 and 0.00002; ExAC 0.00002; TOPMed 0.00003; gnomAD exomes 0.00004 and 0.00006.
gnomAD v4.1: 84 of 1,614,044 alleles (0.0052%); highest among the groups gnomAD compares: Admixed American, 0.0067%; no homozygotes.

Submissions (3):

Labcorp Genetics (formerly Invitae), Labcorp
Classification: Likely benign for Emery-Dreifuss muscular dystrophy 4, autosomal dominant; Autosomal recessive ataxia, Beauce type. Last evaluated: 2025-10-11. Review status: criteria provided, single submitter. Criteria: Invitae Variant Classification Sherloc (09022015). Collection method: clinical testing. Allele origin: germline.

CeGaT Center for Human Genetics Tuebingen
Classification: Likely benign. Last evaluated: 2022-07-01. Review status: criteria provided, single submitter. Criteria: CeGaT Center For Human Genetics Tuebingen Variant Classification Criteria Version 2. Collection method: clinical testing. Allele origin: germline. Affected: yes. Observed: 1 variant allele.
Comment: SYNE1: BP4, BP7

Eurofins Ntd Llc (ga)
Classification: Uncertain significance. Last evaluated: 2017-12-28. Review status: criteria provided, single submitter. Criteria: EGL Classification Definitions 2015. Collection method: clinical testing. Allele origin: germline. Observed: 1 variant allele, 1 heterozygote.

NM_182961.4(SYNE1):c.24633C>T (p.Ile8211=)

Gene: SYNE1 (spectrin repeat containing nuclear envelope protein 1; minus strand). Cytogenetic location: 6q25.2.
Variant type: single nucleotide variant.
Coding change: c.24633C>T on transcript NM_182961.4 (MANE Select); coding-DNA position 24633, C replaced by T.
Protein change: p.Ile8211=; no amino-acid change (isoleucine 8211 retained).
Molecular consequence: synonymous variant.
Genome position (GRCh38, 1-based): chr6:152,149,486, G>A on the plus strand (C>T on the coding strand, the complement: SYNE1 is on the minus strand). VCF-style: chr6-152149486-G-A. GRCh37 (hg19) VCF-style: chr6-152470621-G-A.
Other names: c.1239C>T, p.Ile413= (NM_001347701.2); c.1098C>T, p.Ile366= (NM_001347702.2); c.24420C>T, p.Ile8140= (NM_033071.5).
Identifiers: ClinVar variation 538428 (VCV000538428.39), dbSNP rs201078523, ClinGen allele CA4053132.